The following is an entry in ClinVar:

NM_006269.2(RP1):c.5908G>A (p.Glu1970Lys)

Genes: RP1 (RP1 axonemal microtubule associated; plus strand), LOC126860392 (CDK7 strongly-dependent group 2 enhancer GRCh37_chr8:55541319-55542518; plus strand). Cytogenetic location: 8q12.1.
Variant type: single nucleotide variant.
Coding change: c.5908G>A on transcript NM_006269.2 (MANE Select); coding-DNA position 5908, G replaced by A.
Protein change: p.Glu1970Lys; replaces glutamic acid 1970 with lysine.
Molecular consequence: missense variant. On other transcripts: intron variant (1).
Genome position (GRCh38, 1-based): chr8:54,629,790, G>A. VCF-style: chr8-54629790-G-A. GRCh37 (hg19) VCF-style: chr8-55542350-G-A.
Other names: c.787+7502G>A (NM_001375654.1); short protein forms E1970K.
Identifiers: ClinVar variation 1407398 (VCV001407398.8), dbSNP rs2129318451, ClinGen allele CA370988495.

ClinVar aggregate classification (germline): Uncertain significance (1 of 4 stars; one submission).

Allele frequency attached by ClinVar (database versions not stated): gnomAD exomes 0.00001.
gnomAD v4.1: 16 of 1,611,042 alleles (0.00099%); highest among the groups gnomAD compares: Non-Finnish European, 0.0014%; no homozygotes.

Submission:

Labcorp Genetics (formerly Invitae), Labcorp
Classification: Uncertain significance. Last evaluated: 2023-07-26. Review status: criteria provided, single submitter. Criteria: Invitae Variant Classification Sherloc (09022015). Collection method: clinical testing. Allele origin: germline.
Comment: In summary, the available evidence is currently insufficient to determine the role of this variant in disease. Therefore, it has been classified as a Variant of Uncertain Significance. Algorithms developed to predict the effect of missense changes on protein structure and function output the following: SIFT: "Not Available"; PolyPhen-2: "Benign"; Align-GVGD: "Not Available". The lysine amino acid residue is found in multiple mammalian species, which suggests that this missense change does not adversely affect protein function. ClinVar contains an entry for this variant (Variation ID: 1407398). This variant has not been reported in the literature in individuals affected with RP1-related conditions. This variant is not present in population databases (gnomAD no frequency). This sequence change replaces glutamic acid, which is acidic and polar, with lysine, which is basic and polar, at codon 1970 of the RP1 protein (p.Glu1970Lys).